The following is an entry in ClinVar:

ClinVar aggregate classification (germline): Conflicting classifications of pathogenicity. Review status: criteria provided, conflicting classifications (1 of 4 stars). 5 submissions from 5 submitters: Pathogenic (1); Likely pathogenic (3); Uncertain significance (1). Last evaluated 2026-06-22.

Conditions:
Metachromatic leukodystrophy (MLD). Also called: ARSA DEFICIENCY; CEREBROSIDE SULFATASE DEFICIENCY; METACHROMATIC LEUKOENCEPHALOPATHY; SULFATIDE LIPIDOSIS; Cerebral sclerosis diffuse metachromatic form; Arylsulfatase A Deficiency. Identifiers: Orphanet 512, MedGen C0023522, MONDO:0018868, OMIM 250100.

Allele frequency attached by ClinVar (database versions not stated): gnomAD exomes below 0.00001; 1000 Genomes Project 0.00020; gnomAD 0.00001; ExAC 0.00002; 1000 Genomes Project 30x 0.00016; TOPMed 0.00002.
gnomAD v4.1: 5 of 1,614,134 alleles (0.00031%); highest among the groups gnomAD compares: African/African-American, 0.0053%; no homozygotes.

Submissions (6):

Myriad Genetics, Inc.
Classification: Uncertain significance for Metachromatic leukodystrophy. Last evaluated: 2026-06-22. Review status: criteria provided, single submitter. Criteria: Myriad Autosomal Dominant, Autosomal Recessive and X-Linked Classification Criteria (2023). Collection method: clinical testing. Allele origin: unknown.
Comment: NM_000487.5(ARSA):c.771T>A(D257E) is a missense variant classified as a variant of uncertain significance in the context of metachromatic leukodystrophy. D257E has not been observed in cases with relevant disease. Relevant functional assessments of this variant are available in the literature (PMID: 37480112). D257E has been observed in referenced population frequency databases. In summary, there is insufficient evidence to classify NM_000487.5(ARSA):c.771T>A(D257E) as pathogenic or benign. Please note: this variant was assessed in the context of healthy population screening.

Otogenetics
Classification: Likely pathogenic for Metachromatic leukodystrophy. Last evaluated: 2025-10-31. Review status: criteria provided, single submitter. Criteria: ACMG Guidelines, 2015. Collection method: clinical testing. Allele origin: germline.
Comment: PS1: Same amino acid change as a known pathogenic variant: c.771T>G; p.Asp257Glu (ClinVar VCV002825551.3); PM2: Maximum gnomAD MAF of 0.0053% in African (AFR) subpopulation (<0.103% threshold); PM5: Pathogenic missense amino acid change occurs in same position: c.769G>C; p.Asp257His (PMID: 8982952, 15720392); PP3: In-silico models predict deleterious effect (Revel = 0.86, BayesDel = 0.47)

Women's Health and Genetics/Laboratory Corporation of America, LabCorp
Classification: Likely pathogenic for Metachromatic leukodystrophy. Last evaluated: 2025-06-24. Review status: criteria provided, single submitter. Criteria: LabCorp Variant Classification Summary - May 2015. Collection method: clinical testing. Allele origin: germline.
Comment: Variant summary: ARSA c.771T>A (p.Asp257Glu) results in a conservative amino acid change located in the Sulfatase, N-terminal domain (IPR000917) of the encoded protein sequence. Algorithms developed to predict the effect of missense changes on protein structure and function are either unavailable or do not agree on the potential impact of this missense change. The variant allele was found at a frequency of 4e-06 in 251018 control chromosomes. To our knowledge, no occurrence of c.771T>A in individuals affected with Metachromatic Leukodystrophy has been reported. A different variant affecting the same codon has been classified as likely pathogenic/pathogenic by our lab (c.769G>C, p.D257H), supporting the critical relevance of codon 257 to ARSA protein function. At least one publication reports experimental evidence evaluating an impact on protein function. The most pronounced variant effect results in <10% of normal enzyme activity (e.g. Trinidad_2023). The following publication has been ascertained in the context of this evaluation (PMID: 37480112). ClinVar contains an entry for this variant (Variation ID: 1506952). Based on the evidence outlined above, the variant was classified as likely pathogenic.

3billion
Classification: Pathogenic for Metachromatic leukodystrophy. Last evaluated: 2024-07-07. Review status: criteria provided, single submitter. Criteria: ACMG Guidelines, 2015. Collection method: clinical testing. Allele origin: germline. Affected: yes.
Comment: The variant is observed at an extremely low frequency in the gnomAD v4.0.0 dataset (total allele frequency: <0.001%). Predicted Consequence/Location: Missense variant In silico tool predictions suggest damaging effect of the variant on gene or gene product [REVEL: 0.86 (>=0.6, sensitivity 0.68 and specificity 0.92); 3Cnet: 1.00 (>=0.6, sensitivity 0.72 and precision 0.9)]. The same nucleotide change resulting in the same amino acid change has been previously reported as pathogenic/likely pathogenic with strong evidence (ClinVar ID: VCV001506952).Different missense changes at the same codon (p.Asp257Asn, p.Asp257His, p.Asp257Val) have been reported as pathogenic/likely pathogenic with strong evidence (ClinVar ID: VCV000021187, VCV002122916, VCV002999447 /PMID: 8982952). Therefore, this variant is classified as Pathogenic according to the recommendation of ACMG/AMP guideline.

Labcorp Genetics (formerly Invitae), Labcorp
Classification: Likely pathogenic for Metachromatic leukodystrophy. Last evaluated: 2024-03-02. Review status: criteria provided, single submitter. Criteria: Invitae Variant Classification Sherloc (09022015). Collection method: clinical testing. Allele origin: germline.
Comment: This sequence change replaces aspartic acid, which is acidic and polar, with glutamic acid, which is acidic and polar, at codon 257 of the ARSA protein (p.Asp257Glu). This variant is present in population databases (rs563053401, gnomAD 0.007%). This variant has not been reported in the literature in individuals affected with ARSA-related conditions. ClinVar contains an entry for this variant (Variation ID: 1506952). Advanced modeling of protein sequence and biophysical properties (such as structural, functional, and spatial information, amino acid conservation, physicochemical variation, residue mobility, and thermodynamic stability) performed at Invitae indicates that this missense variant is expected to disrupt ARSA protein function with a positive predictive value of 95%. This variant disrupts the p.Asp257 amino acid residue in ARSA. Other variant(s) that disrupt this residue have been determined to be pathogenic (PMID: 8982952, 10477432, 12445909, 15720392). This suggests that this residue is clinically significant, and that variants that disrupt this residue are likely to be disease-causing. In summary, the currently available evidence indicates that the variant is pathogenic, but additional data are needed to prove that conclusively. Therefore, this variant has been classified as Likely Pathogenic.

Gelb Laboratory, University of Washington
No classification provided (evidence only). Condition: Metachromatic leukodystrophy. Review status: no classification provided. Collection method: in vitro. Allele origin: not applicable. Functional consequence: loss of function. Not counted in ClinVar's aggregate classification.

Literature cited by the submitters: PubMed 37480112 (cited by Myriad Genetics, Inc. and Women's Health and Genetics/Laboratory Corporation of America, LabCorp); PubMed 8982952 (cited by 3 submitters); PubMed 15720392 (cited by Otogenetics and Labcorp Genetics (formerly Invitae), Labcorp); PubMed 10477432 (cited by Labcorp Genetics (formerly Invitae), Labcorp); PubMed 12445909 (cited by Labcorp Genetics (formerly Invitae), Labcorp).

NM_000487.6(ARSA):c.771T>A (p.Asp257Glu)

Gene: ARSA (arylsulfatase A; minus strand). Cytogenetic location: 22q13.33.
Variant type: single nucleotide variant.
Coding change: c.771T>A on transcript NM_000487.6 (MANE Select); coding-DNA position 771, T replaced by A.
Protein change: p.Asp257Glu; replaces aspartic acid 257 with glutamic acid.
Molecular consequence: missense variant.
Genome position (GRCh38, 1-based): chr22:50,626,674, A>T on the plus strand (T>A on the coding strand, the complement: ARSA is on the minus strand). VCF-style: chr22-50626674-A-T. GRCh37 (hg19) VCF-style: chr22-51065102-A-T.
Other names: c.771T>A, p.Asp257Glu (NM_001085427.3, NM_001085425.3, NM_001085426.3); c.513T>A, p.Asp171Glu (NM_001085428.3, NM_001362782.2); short protein forms D257E, D171E.
Identifiers: ClinVar variation 1506952 (VCV001506952.16), dbSNP rs563053401, ClinGen allele CA10324925.